The following is an entry in ClinVar:

ClinVar aggregate classification (germline): Uncertain significance (1 of 4 stars; one submission).

Conditions:
Inborn genetic diseases. Identifiers: MedGen C0950123, MeSH D030342.

Submission:

Ambry Genetics
Classification: Uncertain significance for Inborn genetic diseases. Last evaluated: 2025-11-02. Review status: criteria provided, single submitter. Criteria: Ambry Variant Classification Scheme 2023. Collection method: clinical testing. Allele origin: germline.
Comment: The p.H186D variant (also known as c.556C>G), located in coding exon 6 of the FANCA gene, results from a C to G substitution at nucleotide position 556. The histidine at codon 186 is replaced by aspartic acid, an amino acid with similar properties. This amino acid position is conserved. In addition, the in silico prediction for this alteration is inconclusive. Based on the available evidence, the clinical significance of this variant remains unclear.

NM_000135.4(FANCA):c.556C>G (p.His186Asp)

Gene: FANCA (FA complementation group A; minus strand). Cytogenetic location: 16q24.3.
Variant type: single nucleotide variant.
Coding change: c.556C>G on transcript NM_000135.4 (MANE Select); coding-DNA position 556, C replaced by G.
Protein change: p.His186Asp; replaces histidine 186 with aspartic acid.
Molecular consequence: missense variant.
Genome position (GRCh38, 1-based): chr16:89,808,334, G>C on the plus strand (C>G on the coding strand, the complement: FANCA is on the minus strand). VCF-style: chr16-89808334-G-C. GRCh37 (hg19) VCF-style: chr16-89874742-G-C.
Other names: c.556C>G, p.His186Asp (NM_001018112.3, NM_001286167.3); c.460C>G, p.His154Asp (NM_001351830.2); short protein forms H154D, H186D.
Identifiers: ClinVar variation 4619241 (VCV004619241.1).
Genomic context (GRCh38, chr16:89,808,334, plus strand): 5'-AATCATCATTAGCACGCTACCTTTCCAGCAGCTCTTGCAGGCTCACAATGCCTTGTACGT[G>C]AAGATGCCACACCGCTTCAAGCAACAAAGAACTCTGAAAAACAAAACAAAACAAACAAAA-3'
Protein context (NP_000126.2, residues 176-196): SLLLEAVWHL[His186Asp]VQGIVSLQEL